The following is an entry in ClinVar:

ClinVar aggregate classification (germline): Benign/Likely benign. Review status: criteria provided, multiple submitters, no conflicts (2 of 4 stars). 4 submissions from 4 submitters: Benign (1); Likely benign (3). Last evaluated 2025-01-13.

Conditions:
Familial cancer of breast. Also called: Hereditary breast cancer; BREAST CANCER, FAMILIAL; hereditary breast carcinoma. Identifiers: Orphanet 227535, MedGen C0346153, MONDO:0016419, OMIM 114480. Disease mechanism: loss of function.
Hereditary cancer-predisposing syndrome. Also called: Hereditary neoplastic syndrome; Tumor predisposition; Hereditary Cancer Syndrome; Neoplastic Syndromes, Hereditary. Identifiers: Orphanet 140162, MedGen C0027672, MeSH D009386, MONDO:0015356.

Allele frequency attached by ClinVar (database versions not stated): gnomAD exomes below 0.00001.
gnomAD v4.1: 2 of 1,613,994 alleles (0.00012%); highest among the groups gnomAD compares: South Asian, 0.0022%; no homozygotes.

Submissions (4):

Myriad Genetics, Inc.
Classification: Benign for Familial cancer of breast. Last evaluated: 2025-01-13. Review status: criteria provided, single submitter. Criteria: Myriad Autosomal Dominant, Autosomal Recessive and X-Linked Classification Criteria (2023). Collection method: clinical testing. Allele origin: unknown.
Comment: This variant is considered benign. This variant is a silent/synonymous amino acid change and it is not expected to impact splicing.

Labcorp Genetics (formerly Invitae), Labcorp
Classification: Likely benign for Familial cancer of breast. Last evaluated: 2024-03-04. Review status: criteria provided, single submitter. Criteria: Invitae Variant Classification Sherloc (09022015). Collection method: clinical testing. Allele origin: germline.

Blueprint Genetics
Classification: Likely benign. Last evaluated: 2023-01-31. Review status: criteria provided, single submitter. Criteria: ACMG Guidelines, 2015. Collection method: clinical testing. Allele origin: germline.

Ambry Genetics
Classification: Likely benign for Hereditary cancer-predisposing syndrome. Last evaluated: 2020-06-24. Review status: criteria provided, single submitter. Criteria: Ambry Variant Classification Scheme 2023. Collection method: clinical testing. Allele origin: germline.

NM_024675.4(PALB2):c.1203C>T (p.Gly401=)

Gene: PALB2 (partner and localizer of BRCA2; minus strand). Cytogenetic location: 16p12.2.
Variant type: single nucleotide variant.
Coding change: c.1203C>T on transcript NM_024675.4 (MANE Select); coding-DNA position 1203, C replaced by T.
Protein change: p.Gly401=; no amino-acid change (glycine 401 retained).
Molecular consequence: synonymous variant.
Genome position (GRCh38, 1-based): chr16:23,635,343, G>A on the plus strand (C>T on the coding strand, the complement: PALB2 is on the minus strand). VCF-style: chr16-23635343-G-A. GRCh37 (hg19) VCF-style: chr16-23646664-G-A.
Identifiers: ClinVar variation 1128869 (VCV001128869.14), dbSNP rs1418142337, ClinGen allele CA494461794.
Genomic context (GRCh38, chr16:23,635,343, plus strand): 5'-CCTCTGGCAATTGGACATGCTTCGTGTTGTTCTAACATAATATTCTGCAGGAAACAGAAG[G>A]CCTTCAGGCACTGTGCAAGAATGTTTTTCTGCAGAAAGAGGAGAGGTTGCTTCCAGGCTA-3'
Protein context (NP_078951.2, residues 391-411): AEKHSCTVPE[Gly401=]LLFPAEYYVR